The following is an entry in ClinVar:

ClinVar aggregate classification (germline): Pathogenic/Likely pathogenic. Review status: criteria provided, multiple submitters, no conflicts (2 of 4 stars). 2 submissions from 2 submitters: Pathogenic (1); Likely pathogenic (1). Last evaluated 2024-11-01.

Conditions:
Neurofibromatosis, type 1 (NF1). Also called: Neurofibromatosis, type I; VON RECKLINGHAUSEN DISEASE; Peripheral type neurofibromatosis; NEUROFIBROMATOSIS, TYPE I, SOMATIC. Identifiers: Orphanet 636, MedGen C0027831, MONDO:0018975, OMIM 162200. Disease mechanism: loss of function.

Submissions (2):

Division of Genetic & Genomic Pathology, Hong Kong Children's Hospital
Classification: Likely pathogenic for Neurofibromatosis, type 1. Last evaluated: 2024-11-01. Review status: criteria provided, single submitter. Criteria: ACMG Guidelines, 2015. Collection method: clinical testing. Allele origin: germline. Affected: yes.
Comment: NF1 c.3197+1G>T is a splicing variant in intron 24 of the NF1 gene. It is predicted to disrupt the canonical splice site and result in skipping of exon 24, but is expected to preserve the integrity of the reading-frame, supported by RNA studies (PMID: 18546366). NF1 c.3197+1G>T is absent in population controls (gnomAD v4.1.0 and v2.1.1). It has been reported as pathogenic in ClinVar database (VCV001427919.4). This variant has been reported in patients with NF1-related diseases (PMID: 18546366, 39001468). Functional studies demonstrated that this variant altered normal protein function (PMID: 39001468). For these reasons, this variant is classified as likely pathogenic.

Labcorp Genetics (formerly Invitae), Labcorp
Classification: Pathogenic for Neurofibromatosis, type 1. Last evaluated: 2023-04-26. Review status: criteria provided, single submitter. Criteria: Invitae Variant Classification Sherloc (09022015). Collection method: clinical testing. Allele origin: germline.
Comment: This variant is not present in population databases (gnomAD no frequency). For these reasons, this variant has been classified as Pathogenic. This variant disrupts a region of the NF1 protein in which other variant(s) (p.Arg1066Thr; p.Trp1048Arg) have been determined to be pathogenic (PMID: 23758643; Invitae). This suggests that this is a clinically significant region of the protein, and that variants that disrupt it are likely to be disease-causing. Studies have shown that disruption of this splice site results in skipping of exon 24 (referred to as exon19a), but is expected to preserve the integrity of the reading-frame (PMID: 10607834). ClinVar contains an entry for this variant (Variation ID: 1427919). Disruption of this splice site has been observed in individual(s) with clinical features of neurofibromatosis, type 1 and/or neurofibromatosis type 1 (PMID: 10607834, 18546366). This sequence change affects a donor splice site in intron 24 of the NF1 gene. RNA analysis indicates that disruption of this splice site induces altered splicing and likely results in a shortened protein product.

Literature cited by the submitters: PubMed 18546366 (cited by Division of Genetic & Genomic Pathology, Hong Kong Children's Hospital and Labcorp Genetics (formerly Invitae), Labcorp); PubMed 39001468 (cited by Division of Genetic & Genomic Pathology, Hong Kong Children's Hospital); PubMed 23758643 (cited by Labcorp Genetics (formerly Invitae), Labcorp); PubMed 10607834 (cited by Labcorp Genetics (formerly Invitae), Labcorp).

NM_001042492.3(NF1):c.3197+1G>T

Gene: NF1 (neurofibromin 1; plus strand). Cytogenetic location: 17q11.2.
Variant type: single nucleotide variant.
Coding change: c.3197+1G>T on transcript NM_001042492.3 (MANE Select); the canonical splice donor site of the intron after coding-DNA position 3197, G replaced by T.
Molecular consequence: splice donor variant.
Genome position (GRCh38, 1-based): chr17:31,230,926, G>T. VCF-style: chr17-31230926-G-T. GRCh37 (hg19) VCF-style: chr17-29557944-G-T.
Other names: c.3197+1G>T (NM_000267.4, NM_000267.3).
Identifiers: ClinVar variation 1427919 (VCV001427919.7), dbSNP rs1555614653, ClinGen allele CA398988344.